The following is an entry in ClinVar:

ClinVar aggregate classification (germline): Conflicting classifications of pathogenicity. Review status: criteria provided, conflicting classifications (1 of 4 stars). 8 submissions from 8 submitters: Likely pathogenic (1); Uncertain significance (7). Last evaluated 2026-05-01.

Conditions:
Monogenic hearing loss.
Autosomal recessive nonsyndromic hearing loss 3. Also called: NEUROSENSORY NONSYNDROMIC RECESSIVE DEAFNESS 3. Identifiers: Orphanet 90636, MedGen C1838263, MONDO:0010860, OMIM 600316.

Submissions (8):

CeGaT Center for Human Genetics Tuebingen
Classification: Uncertain significance. Last evaluated: 2026-05-01. Review status: criteria provided, single submitter. Criteria: CeGaT Center For Human Genetics Tuebingen Variant Classification Criteria Version 2. Collection method: clinical testing. Allele origin: germline. Affected: yes. Observed: 2 variant alleles.
Comment: MYO15A: PM4

Genetics Laboratory, Great Ormond Street Hospital NHS Foundation Trust, North Thames Genomic Laboratory Hub
Classification: Likely pathogenic for Monogenic hearing loss. Last evaluated: 2026-04-22. Review status: criteria provided, single submitter. Criteria: ACGS Best Practice Guidelines for Variant Classification in Rare Disease 2024 v1.2. Collection method: clinical testing. Allele origin: germline. Affected: yes.
Comment: PM4_moderate, PM3_strong

GeneDx
Classification: Uncertain significance. Last evaluated: 2025-10-01. Review status: criteria provided, single submitter. Criteria: GeneDx Variant Classification Process June 2021. Collection method: clinical testing. Allele origin: germline. Affected: yes.
Comment: In-frame deletion of 3 amino acids in a non-repeat region; In silico analysis supports a deleterious effect on protein structure/function; Has not been previously published as pathogenic or benign to our knowledge

Blueprint Genetics
Classification: Uncertain significance. Last evaluated: 2024-09-13. Review status: criteria provided, single submitter. Criteria: ACMG Guidelines, 2015. Collection method: clinical testing. Allele origin: germline.

Labcorp Genetics (formerly Invitae), Labcorp
Classification: Uncertain significance. Last evaluated: 2022-10-12. Review status: criteria provided, single submitter. Criteria: Invitae Variant Classification Sherloc (09022015). Collection method: clinical testing. Allele origin: germline.
Comment: This variant, c.349_357del, results in the deletion of 3 amino acid(s) of the MYO15A protein (p.Tyr117_Arg119del), but otherwise preserves the integrity of the reading frame. This variant is present in population databases (rs752352091, gnomAD 0.09%), and has an allele count higher than expected for a pathogenic variant. This variant has not been reported in the literature in individuals affected with MYO15A-related conditions. ClinVar contains an entry for this variant (Variation ID: 228948). Experimental studies and prediction algorithms are not available or were not evaluated, and the functional significance of this variant is currently unknown. In summary, the available evidence is currently insufficient to determine the role of this variant in disease. Therefore, it has been classified as a Variant of Uncertain Significance.

Fulgent Genetics
Classification: Uncertain significance for Autosomal recessive nonsyndromic hearing loss 3. Last evaluated: 2022-02-03. Review status: criteria provided, single submitter. Criteria: ACMG Guidelines, 2015. Collection method: clinical testing. Allele origin: unknown.

Knight Diagnostic Laboratories, Oregon Health and Sciences University
Classification: Uncertain significance. Last evaluated: 2019-10-16. Review status: criteria provided, single submitter. Criteria: ACMG Guidelines, 2015. Collection method: clinical testing. Allele origin: germline. Observed: 1 variant allele.

Laboratory for Molecular Medicine, Mass General Brigham Personalized Medicine
Classification: Uncertain significance. Last evaluated: 2019-07-25. Review status: criteria provided, single submitter. Criteria: ACMG Guidelines, 2015. Collection method: clinical testing. Allele origin: germline.
Comment: This variant is a deletion of three amino acids at positions 117 to 119 and is not predicted to alter the protein reading-frame of the gene. It is unclear if this deletion will impact the protein function. In summary, the clinical significance of the p.Tyr117_Arg119del variant is uncertain. ACMG/AMP Criteria applied: BS1_Supporting.

NM_016239.4(MYO15A):c.349_357del (p.Tyr117_Arg119del)

Gene: MYO15A (myosin XVA; plus strand). Cytogenetic location: 17p11.2.
Variant type: Deletion.
Coding change: c.349_357del on transcript NM_016239.4 (MANE Select); coding-DNA positions 349 to 357, 9 bases deleted (TACGGCCGC; older notation c.349_357delTACGGCCGC).
Protein change: p.Tyr117_Arg119del.
Genome position (GRCh38, 1-based): chr17:18,119,149-18,119,157, TACGGCCGC deleted; deleting any 9 consecutive bases within chr17:18,119,147-18,119,157 gives the same sequence; the c. name uses the placement nearest the transcript's 3' end. VCF-style (leftmost placement, unchanged base first): chr17-18119146-GGCTACGGCC-G. GRCh37 (hg19) VCF-style: chr17-18022460-GGCTACGGCC-G.
Other names: c.349_357delTACGGCCGC (NM_016239.3).
Identifiers: ClinVar variation 228948 (VCV000228948.60), dbSNP rs876657898, ClinGen allele CA8422815.
Genomic context (GRCh38, chr17:18,119,146, plus strand): 5'-AAGCGGGCGATGAAGGGCAAGAAGCCGTCCTTCATGGTGATCCGCTTCCCAGGCCGCCGT[GGCTACGGCC>G]GCCTGCGGCCGCGCGCCCGGTCACTCAGCAAAGCGTCCACGGCCATCAACTGGCTCACAA-3'